The following is an entry in ClinVar:

ClinVar aggregate classification (germline): Uncertain significance. Review status: criteria provided, multiple submitters, no conflicts (2 of 4 stars). 4 submissions from 4 submitters: Uncertain significance (4). Last evaluated 2025-08-19.

Conditions:
Idiopathic Pulmonary Fibrosis. Also called: Idiopathic fibrosing alveolitis, chronic form; idiopathic fibrosing alveolitis. Identifiers: Orphanet 2032, MedGen C1800706, MeSH D054990, MONDO:0800504.
Dyskeratosis congenita, autosomal dominant 2. Identifiers: MedGen C3151443, MONDO:0013521, OMIM 613989.
Dyskeratosis congenita. Identifiers: Orphanet 1775, MedGen C0265965, MONDO:0015780.

Allele frequency attached by ClinVar (database versions not stated): gnomAD exomes below 0.00001; ExAC 0.00002.
gnomAD v4.1: 4 of 1,613,994 alleles (0.00025%); highest among the groups gnomAD compares: Admixed American, 0.0017%; no homozygotes.

Submissions (4):

Ambry Genetics
Classification: Uncertain significance for Dyskeratosis congenita. Last evaluated: 2025-08-19. Review status: criteria provided, single submitter. Criteria: Ambry Variant Classification Scheme 2023. Collection method: clinical testing. Allele origin: germline.
Comment: The p.E912K variant (also known as c.2734G>A), located in coding exon 11 of the TERT gene, results from a G to A substitution at nucleotide position 2734. The glutamic acid at codon 912 is replaced by lysine, an amino acid with similar properties. This amino acid position is conserved. In addition, this alteration is predicted to be tolerated by in silico analysis. Based on the available evidence, the clinical significance of this variant remains unclear.

Labcorp Genetics (formerly Invitae), Labcorp
Classification: Uncertain significance for Dyskeratosis congenita, autosomal dominant 2; Idiopathic Pulmonary Fibrosis. Last evaluated: 2024-04-15. Review status: criteria provided, single submitter. Criteria: Invitae Variant Classification Sherloc (09022015). Collection method: clinical testing. Allele origin: germline.
Comment: This sequence change replaces glutamic acid, which is acidic and polar, with lysine, which is basic and polar, at codon 912 of the TERT protein (p.Glu912Lys). This variant is present in population databases (rs746883330, gnomAD 0.003%). This variant has not been reported in the literature in individuals affected with TERT-related conditions. ClinVar contains an entry for this variant (Variation ID: 579584). Advanced modeling of protein sequence and biophysical properties (such as structural, functional, and spatial information, amino acid conservation, physicochemical variation, residue mobility, and thermodynamic stability) performed at Invitae indicates that this missense variant is not expected to disrupt TERT protein function with a negative predictive value of 95%. In summary, the available evidence is currently insufficient to determine the role of this variant in disease. Therefore, it has been classified as a Variant of Uncertain Significance.

ARUP Laboratories, Molecular Genetics and Genomics, ARUP Laboratories
Classification: Uncertain significance. Last evaluated: 2023-12-22. Review status: criteria provided, single submitter. Criteria: ARUP Molecular Germline Variant Investigation Process 2024. Collection method: clinical testing. Allele origin: germline.

GeneDx
Classification: Uncertain significance. Last evaluated: 2023-07-10. Review status: criteria provided, single submitter. Criteria: GeneDx Variant Classification Process June 2021. Collection method: clinical testing. Allele origin: germline. Affected: yes.
Comment: Not observed at significant frequency in large population cohorts (gnomAD); In silico analysis supports that this missense variant does not alter protein structure/function; Has not been previously published as pathogenic or benign to our knowledge

NM_198253.3(TERT):c.2734G>A (p.Glu912Lys)

Gene: TERT (telomerase reverse transcriptase; minus strand). Cytogenetic location: 5p15.33.
Variant type: single nucleotide variant.
Coding change: c.2734G>A on transcript NM_198253.3 (MANE Select); coding-DNA position 2734, G replaced by A.
Protein change: p.Glu912Lys; replaces glutamic acid 912 with lysine.
Molecular consequence: missense variant. On other transcripts: intron variant (1).
Genome position (GRCh38, 1-based): chr5:1,264,513, C>T on the plus strand (G>A on the coding strand, the complement: TERT is on the minus strand). VCF-style: chr5-1264513-C-T. GRCh37 (hg19) VCF-style: chr5-1264628-C-T.
Other names: c.2654+1951G>A (NM_001193376.3); short protein forms E912K.
Identifiers: ClinVar variation 579584 (VCV000579584.11), dbSNP rs746883330, ClinGen allele CA3184408.
Genomic context (GRCh38, chr5:1,264,513, plus strand): 5'-CGCACCAGGGGAATAGGCCGTGGGCCGGCATCTGAACAAAAGCCGTGCCACCCAGGGCCT[C>T]GTCTTCTACAGGGAAGTTCACCACTGTCTTCCGCAAGTTCACCACGCAGCCATACTCAGG-3'
Protein context (NP_937983.2, residues 902-922): KTVVNFPVED[Glu912Lys]ALGGTAFVQM